The following is an entry in ClinVar:

ClinVar aggregate classification (germline): Pathogenic (1 of 4 stars; one submission).

Submission:

GeneDx
Classification: Pathogenic. Last evaluated: 2022-08-18. Review status: criteria provided, single submitter. Criteria: GeneDx Variant Classification Process June 2021. Collection method: clinical testing. Allele origin: germline. Affected: yes.
Comment: Not observed at significant frequency in large population cohorts (gnomAD); In silico analysis supports that this missense variant has a deleterious effect on protein structure/function; Has not been previously published as pathogenic or benign to our knowledge

NM_005614.4(RHEB):c.104A>C (p.Tyr35Ser)

Gene: RHEB (Ras homolog, mTORC1 binding; minus strand). Cytogenetic location: 7q36.1.
Variant type: single nucleotide variant.
Coding change: c.104A>C on transcript NM_005614.4 (MANE Select); coding-DNA position 104, A replaced by C.
Protein change: p.Tyr35Ser; replaces tyrosine 35 with serine.
Molecular consequence: missense variant.
Genome position (GRCh38, 1-based): chr7:151,490,963, T>G on the plus strand (A>C on the coding strand, the complement: RHEB is on the minus strand). VCF-style: chr7-151490963-T-G. GRCh37 (hg19) VCF-style: chr7-151188049-T-G.
Other names: short protein forms Y35S.
Identifiers: ClinVar variation 1702651 (VCV001702651.2), dbSNP rs1057519950, ClinGen allele CA370052638.